The following is an entry in ClinVar:

ClinVar aggregate classification (germline): Uncertain significance (1 of 4 stars; one submission).

Submission:

GeneDx
Classification: Uncertain significance. Last evaluated: 2026-03-31. Review status: criteria provided, single submitter. Criteria: GeneDx Variant Classification Process June 2021. Collection method: clinical testing. Allele origin: germline.
Comment: Not observed at significant frequency in large population cohorts (gnomAD); In silico analysis supports that this missense variant has a deleterious effect on protein structure/function; Has not been previously published as pathogenic or benign to our knowledge

NM_006946.4(SPTBN2):c.958T>G (p.Trp320Gly)

Gene: SPTBN2 (spectrin beta, non-erythrocytic 2; minus strand). Cytogenetic location: 11q13.2.
Variant type: single nucleotide variant.
Coding change: c.958T>G on transcript NM_006946.4 (MANE Select); coding-DNA position 958, T replaced by G.
Protein change: p.Trp320Gly; replaces tryptophan 320 with glycine.
Molecular consequence: missense variant.
Genome position (GRCh38, 1-based): chr11:66,710,697, A>C on the plus strand (T>G on the coding strand, the complement: SPTBN2 is on the minus strand). VCF-style: chr11-66710697-A-C. GRCh37 (hg19) VCF-style: chr11-66478168-A-C.
Other names: c.979T>G, p.Trp327Gly (NM_001411025.1); c.958T>G, p.Trp320Gly (NM_001437541.1); short protein forms W320G, W327G.
Identifiers: ClinVar variation 5017894 (VCV005017894.1).